The following is an entry in ClinVar:

NM_032108.4(SEMA6B):c.2372C>G (p.Pro791Arg)

Gene: SEMA6B (semaphorin 6B; minus strand). Cytogenetic location: 19p13.3.
Variant type: single nucleotide variant.
Coding change: c.2372C>G on transcript NM_032108.4 (MANE Select); coding-DNA position 2372, C replaced by G.
Protein change: p.Pro791Arg; replaces proline 791 with arginine.
Molecular consequence: missense variant.
Genome position (GRCh38, 1-based): chr19:4,543,896, G>C on the plus strand (C>G on the coding strand, the complement: SEMA6B is on the minus strand). VCF-style: chr19-4543896-G-C. GRCh37 (hg19) VCF-style: chr19-4543908-G-C.
Other names: c.2372C>G (NM_032108.3); short protein forms P791R.
Identifiers: ClinVar variation 1709918 (VCV001709918.5), dbSNP rs1977089420, ClinGen allele CA403460670.

ClinVar aggregate classification (germline): Conflicting classifications of pathogenicity. Review status: criteria provided, conflicting classifications (1 of 4 stars). 2 submissions from 2 submitters: Uncertain significance (1); Likely benign (1). Last evaluated 2022-12-21.

Conditions:
Epilepsy, progressive myoclonic, 11. Identifiers: MedGen C5394362, MONDO:0030034, OMIM 618876.
Inborn genetic diseases. Identifiers: MedGen C0950123, MeSH D030342.

Allele frequency attached by ClinVar (database versions not stated): gnomAD exomes below 0.00001; gnomAD 0.00001.
gnomAD v4.1: 4 of 1,204,242 alleles (0.00033%); highest among the groups gnomAD compares: Admixed American, 0.0044%; no homozygotes.

Submissions (2):

Ambry Genetics
Classification: Uncertain significance for Inborn genetic diseases. Last evaluated: 2022-12-21. Review status: criteria provided, single submitter. Criteria: Ambry Variant Classification Scheme 2023. Collection method: clinical testing. Allele origin: germline.

MGZ Medical Genetics Center
Classification: Likely benign for Epilepsy, progressive myoclonic, 11. Last evaluated: 2021-09-01. Review status: criteria provided, single submitter. Criteria: ACMG Guidelines, 2015. Collection method: clinical testing. Allele origin: germline. Affected: yes. Observed: 1 variant allele.
Comment: ACMG criteria applied: PM1, PM2_SUP, BS2, BP4